The following is an entry in ClinVar:

NM_001164508.2(NEB):c.24812C>T (p.Ala8271Val)

Genes: NEB (nebulin; minus strand), RIF1 (replication timing regulatory factor 1; plus strand). Cytogenetic location: 2q23.3.
Variant type: single nucleotide variant.
Coding change: c.24812C>T on transcript NM_001164508.2 (MANE Select); coding-DNA position 24812, C replaced by T.
Protein change: p.Ala8271Val; replaces alanine 8271 with valine.
Molecular consequence: missense variant.
Genome position (GRCh38, 1-based): chr2:151,492,448, G>A on the plus strand (C>T on the coding strand, the complement: NEB is on the minus strand). VCF-style: chr2-151492448-G-A. GRCh37 (hg19) VCF-style: chr2-152348962-G-A.
Other names: c.19244C>T (NM_004543.4); c.24812C>T, p.Ala8271Val (NM_001164507.2); c.24917C>T, p.Ala8306Val (NM_001271208.2); c.19244C>T, p.Ala6415Val (NM_004543.5); short protein forms A8271V, A6415V, A8306V.
Identifiers: ClinVar variation 650627 (VCV000650627.9), dbSNP rs749977606, ClinGen allele CA1905909.

ClinVar aggregate classification (germline): Uncertain significance. Review status: criteria provided, multiple submitters, no conflicts (2 of 4 stars). 3 submissions from 3 submitters: Uncertain significance (2). 1 of the submissions does not count toward it. Last evaluated 2025-09-01.

Conditions:
Inborn genetic diseases. Identifiers: MedGen C0950123, MeSH D030342.
Nemaline myopathy 2 (NEM2). Also called: Nemaline myopathy 2, autosomal recessive. Identifiers: MedGen C1850569, MONDO:0009725, OMIM 256030.

Allele frequency attached by ClinVar (database versions not stated): ExAC 0.00001; gnomAD exomes 0.00001; gnomAD 0.00003; TOPMed 0.00005.
gnomAD v4.1: 25 of 1,612,906 alleles (0.0015%); highest among the groups gnomAD compares: Non-Finnish European, 0.0019%; no homozygotes.

Submissions (3):

Ambry Genetics
Classification: Uncertain significance for Inborn genetic diseases. Last evaluated: 2025-09-01. Review status: criteria provided, single submitter. Criteria: Ambry Variant Classification Scheme 2023. Collection method: clinical testing. Allele origin: germline.

Labcorp Genetics (formerly Invitae), Labcorp
Classification: Uncertain significance for Nemaline myopathy 2. Last evaluated: 2022-03-29. Review status: criteria provided, single submitter. Criteria: Invitae Variant Classification Sherloc (09022015). Collection method: clinical testing. Allele origin: germline.
Comment: This sequence change replaces alanine, which is neutral and non-polar, with valine, which is neutral and non-polar, at codon 8306 of the NEB protein (p.Ala8306Val). This variant is present in population databases (rs749977606, gnomAD 0.003%). This variant has not been reported in the literature in individuals affected with NEB-related conditions. ClinVar contains an entry for this variant (Variation ID: 650627). Algorithms developed to predict the effect of missense changes on protein structure and function are either unavailable or do not agree on the potential impact of this missense change (SIFT: "Deleterious"; PolyPhen-2: "Not Available"; Align-GVGD: "Class C0"). In summary, the available evidence is currently insufficient to determine the role of this variant in disease. Therefore, it has been classified as a Variant of Uncertain Significance.

Natera, Inc.
Classification: Uncertain significance for Nemaline myopathy type 2. Last evaluated: 2020-02-21. Review status: no assertion criteria provided. Collection method: clinical testing. Allele origin: germline. Not counted in ClinVar's aggregate classification.